The following is an entry in ClinVar:

ClinVar aggregate classification (germline): Uncertain significance. Review status: criteria provided, multiple submitters, no conflicts (2 of 4 stars). 3 submissions from 3 submitters: Uncertain significance (3). Last evaluated 2026-01-05.

Conditions:
Hyperalphalipoproteinemia 1 (HALP1). Also called: CETP-Related Hyperalphalipoproteinemia; CETP DEFICIENCY. Identifiers: MedGen C3149462, OMIM 143470.

Allele frequency attached by ClinVar (database versions not stated): ExAC 0.00003; gnomAD 0.00004 and 0.00005; TOPMed 0.00004; gnomAD exomes 0.00005; ESP Exome Variant Server 0.00023.
gnomAD v4.1: 65 of 1,613,856 alleles (0.004%); highest among the groups gnomAD compares: Non-Finnish European, 0.0047%; no homozygotes.

Submissions (3):

Labcorp Genetics (formerly Invitae), Labcorp
Classification: Uncertain significance. Last evaluated: 2026-01-05. Review status: criteria provided, single submitter. Criteria: Invitae Variant Classification Sherloc (09022015). Collection method: clinical testing. Allele origin: germline.
Comment: This sequence change replaces arginine, which is basic and polar, with histidine, which is basic and polar, at codon 31 of the CETP protein (p.Arg31His). This variant is present in population databases (rs147758502, gnomAD 0.007%). This variant has not been reported in the literature in individuals affected with CETP-related conditions. ClinVar contains an entry for this variant (Variation ID: 319972). Invitae Evidence Modeling of protein sequence and biophysical properties (such as structural, functional, and spatial information, amino acid conservation, physicochemical variation, residue mobility, and thermodynamic stability) indicates that this missense variant is expected to disrupt CETP protein function with a positive predictive value of 80%. In summary, the available evidence is currently insufficient to determine the role of this variant in disease. Therefore, it has been classified as a Variant of Uncertain Significance.

Ambry Genetics
Classification: Uncertain significance. Last evaluated: 2025-08-28. Review status: criteria provided, single submitter. Criteria: Ambry Variant Classification Scheme 2023. Collection method: clinical testing. Allele origin: germline.

Illumina Laboratory Services, Illumina
Classification: Uncertain significance for Hyperalphalipoproteinemia 1. Last evaluated: 2018-01-13. Review status: criteria provided, single submitter. Criteria: ICSL Variant Classification Criteria 13 December 2019. Collection method: clinical testing. Allele origin: germline.

NM_000078.3(CETP):c.92G>A (p.Arg31His)

Gene: CETP (cholesteryl ester transfer protein; plus strand). Cytogenetic location: 16q13.
Variant type: single nucleotide variant.
Coding change: c.92G>A on transcript NM_000078.3 (MANE Select); coding-DNA position 92, G replaced by A.
Protein change: p.Arg31His; replaces arginine 31 with histidine.
Molecular consequence: missense variant.
Genome position (GRCh38, 1-based): chr16:56,962,071, G>A. VCF-style: chr16-56962071-G-A. GRCh37 (hg19) VCF-style: chr16-56995983-G-A.
Other names: c.92G>A, p.Arg31His (NM_001286085.2); short protein forms R31H.
Identifiers: ClinVar variation 319972 (VCV000319972.9), dbSNP rs147758502, ClinGen allele CA8070747.
Genomic context (GRCh38, chr16:56,962,071, plus strand): 5'-TGCTGGGCAATGCCCATGCCTGCTCCAAAGGCACCTCGCACGAGGCAGGCATCGTGTGCC[G>A]CATCACCAAGCCTGCCCTCCTGGTGTGTAAGTATCAGTGCATCTGTCTGCCCTGCCAGGG-3'
Protein context (NP_000069.2, residues 21-41): GTSHEAGIVC[Arg31His]ITKPALLVLN